The following is an entry in ClinVar:

ClinVar aggregate classification (germline): Uncertain significance (1 of 4 stars; one submission).

gnomAD v4.1: 4 of 1,589,066 alleles (0.00025%); highest among the groups gnomAD compares: South Asian, 0.0034%; no homozygotes.

Submission:

Labcorp Genetics (formerly Invitae), Labcorp
Classification: Uncertain significance. Last evaluated: 2026-02-03. Review status: criteria provided, single submitter. Criteria: Invitae Variant Classification Sherloc (09022015). Collection method: clinical testing. Allele origin: germline.
Comment: This sequence change replaces proline, which is neutral and non-polar, with leucine, which is neutral and non-polar, at codon 205 of the MYLK3 protein (p.Pro205Leu). The frequency data for this variant in the population databases is considered unreliable, as metrics indicate poor data quality at this position in the gnomAD database. This variant has not been reported in the literature in individuals affected with MYLK3-related conditions. ClinVar contains an entry for this variant (Variation ID: 3650531). An algorithm developed to predict the effect of missense changes on protein structure and function outputs the following: PolyPhen-2: "Benign". The leucine amino acid residue is found in multiple mammalian species, which suggests that this missense change does not adversely affect protein function. In summary, the available evidence is currently insufficient to determine the role of this variant in disease. Therefore, it has been classified as a Variant of Uncertain Significance.

NM_182493.3(MYLK3):c.614C>T (p.Pro205Leu)

Gene: MYLK3 (myosin light chain kinase 3; minus strand). Cytogenetic location: 16q11.2.
Variant type: single nucleotide variant.
Coding change: c.614C>T on transcript NM_182493.3 (MANE Select); coding-DNA position 614, C replaced by T.
Protein change: p.Pro205Leu; replaces proline 205 with leucine.
Molecular consequence: missense variant. On other transcripts: intron variant (1).
Genome position (GRCh38, 1-based): chr16:46,738,098, G>A on the plus strand (C>T on the coding strand, the complement: MYLK3 is on the minus strand). VCF-style: chr16-46738098-G-A. GRCh37 (hg19) VCF-style: chr16-46772010-G-A.
Other names: c.-23+1959C>T (NM_001308301.1); short protein forms P205L.
Identifiers: ClinVar variation 3650531 (VCV003650531.2).